The following is an entry in ClinVar:

NM_002609.4(PDGFRB):c.2386C>T (p.Pro796Ser)

Gene: PDGFRB (platelet derived growth factor receptor beta; minus strand). Cytogenetic location: 5q32.
Variant type: single nucleotide variant.
Coding change: c.2386C>T on transcript NM_002609.4 (MANE Select); coding-DNA position 2386, C replaced by T.
Protein change: p.Pro796Ser; replaces proline 796 with serine.
Molecular consequence: missense variant.
Genome position (GRCh38, 1-based): chr5:150,121,281, G>A on the plus strand (C>T on the coding strand, the complement: PDGFRB is on the minus strand). VCF-style: chr5-150121281-G-A. GRCh37 (hg19) VCF-style: chr5-149500844-G-A.
Other names: c.2194C>T, p.Pro732Ser (NM_001355016.2); c.1903C>T, p.Pro635Ser (NM_001355017.2); short protein forms P732S, P635S, P796S.
Identifiers: ClinVar variation 2928117 (VCV002928117.3), dbSNP rs1760125881, ClinGen allele CA361761250.
Genomic context (GRCh38, chr5:150,121,281, plus strand): 5'-ACTCCATGCCATTGGCCACCTGGTAGCTGAAGCCCACGAGGTCCATGTAGCTTAGCACTG[G>A]AGACTCGTTGATCAAAGTTGCTCGGCAGGTCCTCTCAGGGGCTAGAGGAGAAGCAGAGGG-3'
Protein context (NP_002600.1, residues 786-806): TCRATLINES[Pro796Ser]VLSYMDLVGF

ClinVar aggregate classification (germline): Uncertain significance (1 of 4 stars; one submission).

Conditions:
Infantile myofibromatosis (IMF). Also called: Congenital generalized fibromatosis. Identifiers: Orphanet 2591, MedGen C0432284, MONDO:0016824.
Skeletal overgrowth-craniofacial dysmorphism-hyperelastic skin-white matter lesions syndrome. Also called: SKELETAL OVERGROWTH WITH FACIAL DYSMORPHISM, HYPERELASTIC SKIN, WHITE MATTER LESIONS, AND NEUROLOGIC DETERIORATION; Kosaki overgrowth syndrome. Identifiers: Orphanet 477831, MedGen C4225270, MONDO:0014704, OMIM 616592.
Acroosteolysis-keloid-like lesions-premature aging syndrome. Also called: Premature aging syndrome, Penttinen type; Prematurely aged appearance, delayed bone maturation, acro-osteolysis, and brachydactyly; Progeroid syndrome, Penttinen type. Identifiers: Orphanet 363665, MedGen C1866182, MONDO:0011150, OMIM 601812.
Basal ganglia calcification, idiopathic, 4 (PFBC4). Also called: Familial Idiopathic Basal Ganglia Calcification 4; PRIMARY FAMILIAL BRAIN CALCIFICATION 4, AUTOSOMAL DOMINANT. Identifiers: Orphanet 1980, MedGen C3554321, MONDO:0014004, OMIM 615007.

Submission:

Labcorp Genetics (formerly Invitae), Labcorp
Classification: Uncertain significance for Basal ganglia calcification, idiopathic, 4; Skeletal overgrowth-craniofacial dysmorphism-hyperelastic skin-white matter lesions syndrome; Infantile myofibromatosis; Acroosteolysis-keloid-like lesions-premature aging syndrome. Last evaluated: 2023-09-12. Review status: criteria provided, single submitter. Criteria: Invitae Variant Classification Sherloc (09022015). Collection method: clinical testing. Allele origin: germline.
Comment: This sequence change replaces proline, which is neutral and non-polar, with serine, which is neutral and polar, at codon 796 of the PDGFRB protein (p.Pro796Ser). This variant is not present in population databases (gnomAD no frequency). This variant has not been reported in the literature in individuals affected with PDGFRB-related conditions. Advanced modeling of protein sequence and biophysical properties (such as structural, functional, and spatial information, amino acid conservation, physicochemical variation, residue mobility, and thermodynamic stability) performed at Invitae indicates that this missense variant is not expected to disrupt PDGFRB protein function. In summary, the available evidence is currently insufficient to determine the role of this variant in disease. Therefore, it has been classified as a Variant of Uncertain Significance.